The following is an entry in ClinVar:

ClinVar aggregate classification (germline): Uncertain significance (1 of 4 stars; one submission).

Submission:

GeneDx
Classification: Uncertain significance. Last evaluated: 2024-01-16. Review status: criteria provided, single submitter. Criteria: GeneDx Variant Classification Process June 2021. Collection method: clinical testing. Allele origin: germline. Affected: yes.
Comment: Not observed at significant frequency in large population cohorts (gnomAD); In silico analysis indicates that this missense variant does not alter protein structure/function; Has not been previously published as pathogenic or benign to our knowledge; Reported using an alternate transcript of the gene

NM_001042475.3(CEP85L):c.1437+28G>T

Gene: CEP85L (centrosomal protein 85 like; minus strand). Cytogenetic location: 6q22.31.
Variant type: single nucleotide variant.
Coding change: c.1437+28G>T on transcript NM_001042475.3 (MANE Select); 28 bases into the intron after coding-DNA position 1437, G replaced by T.
Molecular consequence: intron variant. On other transcripts: missense variant (1).
Genome position (GRCh38, 1-based): chr6:118,491,658, C>A on the plus strand (G>T on the coding strand, the complement: CEP85L is on the minus strand). VCF-style: chr6-118491658-C-A. GRCh37 (hg19) VCF-style: chr6-118812821-C-A.
Other names: c.1465G>T, p.Gly489Cys (NM_206921.3); c.1446+28G>T (NM_001178035.2); short protein forms G489C.
Identifiers: ClinVar variation 3367941 (VCV003367941.1).